The following is an entry in ClinVar:

NM_006031.6(PCNT):c.8859C>G (p.His2953Gln)

Gene: PCNT (pericentrin; plus strand). Cytogenetic location: 21q22.3.
Variant type: single nucleotide variant.
Coding change: c.8859C>G on transcript NM_006031.6 (MANE Select); coding-DNA position 8859, C replaced by G.
Protein change: p.His2953Gln; replaces histidine 2953 with glutamine.
Molecular consequence: missense variant.
Genome position (GRCh38, 1-based): chr21:46,436,011, C>G. VCF-style: chr21-46436011-C-G. GRCh37 (hg19) VCF-style: chr21-47855924-C-G.
Other names: c.8268C>G, p.His2756Gln (NM_001315529.2); short protein forms H2756Q, H2953Q.
Identifiers: ClinVar variation 3357069 (VCV003357069.1).

ClinVar aggregate classification (germline): Uncertain significance (0 of 4 stars; one submission).

Conditions:
PCNT-related disorder. Also called: PCNT-related condition.

gnomAD v4.1: 20 of 1,614,136 alleles (0.0012%); highest among the groups gnomAD compares: Admixed American, 0.0067%; no homozygotes.

Submission:

PreventionGenetics, part of Exact Sciences
Classification: Uncertain significance for PCNT-related condition. Last evaluated: 2024-02-05. Review status: no assertion criteria provided. Collection method: clinical testing. Allele origin: germline.
Comment: The PCNT c.8859C>G variant is predicted to result in the amino acid substitution p.His2953Gln. To our knowledge, this variant has not been reported in the literature. This variant is reported in 0.012% of alleles in individuals of Latino descent in gnomAD. At this time, the clinical significance of this variant is uncertain due to the absence of conclusive functional and genetic evidence.